The following is an entry in ClinVar:

ClinVar aggregate classification (germline): Uncertain significance. Review status: criteria provided, multiple submitters, no conflicts (2 of 4 stars). 3 submissions from 3 submitters: Uncertain significance (3). Last evaluated 2025-08-05.

Conditions:
Inborn genetic diseases. Identifiers: MedGen C0950123, MeSH D030342.
Methylmalonic acidemia due to methylmalonyl-CoA epimerase deficiency. Also called: METHYLMALONIC ACIDURIA III; METHYLMALONYL-CoA RACEMASE DEFICIENCY; Methylmalonyl-CoA Epimerase Deficiency. Identifiers: Orphanet 308425, MedGen C1855100, MONDO:0009615, OMIM 251120.

Allele frequency attached by ClinVar (database versions not stated): gnomAD exomes 0.00010; TOPMed 0.00010; ExAC 0.00013; ESP Exome Variant Server 0.00015.
gnomAD v4.1: 448 of 1,614,060 alleles (0.028%); highest among the groups gnomAD compares: Non-Finnish European, 0.037%; no homozygotes.

Submissions (3):

Ambry Genetics
Classification: Uncertain significance for Inborn genetic diseases. Last evaluated: 2025-08-05. Review status: criteria provided, single submitter. Criteria: Ambry Variant Classification Scheme 2023. Collection method: clinical testing. Allele origin: germline.

Labcorp Genetics (formerly Invitae), Labcorp
Classification: Uncertain significance for Methylmalonic acidemia due to methylmalonyl-CoA epimerase deficiency. Last evaluated: 2022-08-31. Review status: criteria provided, single submitter. Criteria: Invitae Variant Classification Sherloc (09022015). Collection method: clinical testing. Allele origin: germline.
Comment: This sequence change replaces leucine, which is neutral and non-polar, with valine, which is neutral and non-polar, at codon 79 of the MCEE protein (p.Leu79Val). This variant is present in population databases (rs369078225, gnomAD 0.02%). This variant has not been reported in the literature in individuals affected with MCEE-related conditions. ClinVar contains an entry for this variant (Variation ID: 643880). Algorithms developed to predict the effect of missense changes on protein structure and function output the following: SIFT: "Tolerated"; PolyPhen-2: "Benign"; Align-GVGD: "Class C0". The valine amino acid residue is found in multiple mammalian species, which suggests that this missense change does not adversely affect protein function. In summary, the available evidence is currently insufficient to determine the role of this variant in disease. Therefore, it has been classified as a Variant of Uncertain Significance.

Illumina Laboratory Services, Illumina
Classification: Uncertain significance for Methylmalonic acidemia due to methylmalonyl-CoA epimerase deficiency. Last evaluated: 2018-01-12. Review status: criteria provided, single submitter. Criteria: ICSL Variant Classification Criteria 13 December 2019. Collection method: clinical testing. Allele origin: germline.

NM_032601.4(MCEE):c.235C>G (p.Leu79Val)

Gene: MCEE (methylmalonyl-CoA epimerase; minus strand). Cytogenetic location: 2p13.3.
Variant type: single nucleotide variant.
Coding change: c.235C>G on transcript NM_032601.4 (MANE Select); coding-DNA position 235, C replaced by G.
Protein change: p.Leu79Val; replaces leucine 79 with valine.
Molecular consequence: missense variant.
Genome position (GRCh38, 1-based): chr2:71,124,349, G>C on the plus strand (C>G on the coding strand, the complement: MCEE is on the minus strand). VCF-style: chr2-71124349-G-C. GRCh37 (hg19) VCF-style: chr2-71351479-G-C.
Other names: short protein forms L79V.
Identifiers: ClinVar variation 643880 (VCV000643880.10), dbSNP rs369078225, ClinGen allele CA1702623.
Genomic context (GRCh38, chr2:71,124,349, plus strand): 5'-GCAGTTCCATCTTGGTATTTCCCAGGTTGACAAAAACAACAGATACTCCATGTTCAGGAA[G>C]AGGGACCGCTTCACTTACCTGGGCCCCCAGAATATTCTTATAAAATGCTGCAGCCTTTTC-3'
Protein context (NP_115990.3, residues 69-89): LGAQVSEAVP[Leu79Val]PEHGVSVVFV